The following is an entry in ClinVar:

ClinVar aggregate classification (germline): Conflicting classifications of pathogenicity. Review status: criteria provided, conflicting classifications (1 of 4 stars). 3 submissions from 3 submitters: Likely pathogenic (1); Uncertain significance (2). Last evaluated 2026-06-23.

Conditions:
Inborn genetic diseases. Identifiers: MedGen C0950123, MeSH D030342.
DYNC1H1-related disorder. Also called: DYNC1H1-related condition; DYNC1H1-related disorders. Identifiers: MedGen CN381529.

Submissions (3):

Women's Health and Genetics/Laboratory Corporation of America, LabCorp
Classification: Uncertain significance. Last evaluated: 2026-06-23. Review status: criteria provided, single submitter. Criteria: LabCorp Variant Classification Summary - May 2015. Collection method: clinical testing. Allele origin: germline.
Comment: Variant summary: DYNC1H1 c.10436T>C (p.Leu3479Pro) results in a non-conservative amino acid change in the encoded protein sequence. Algorithms developed to predict the effect of missense changes on protein structure and function all suggest that this variant is likely to be disruptive. The variant was absent in 251018 control chromosomes. The available data on variant occurrences in the general population are insufficient to allow any conclusion about variant significance. To our knowledge, no occurrence of c.10436T>C in individuals affected with DYNC1H1-related conditions and no experimental evidence demonstrating its impact on protein function have been reported. ClinVar contains an entry for this variant (Variation ID: 2632640). Based on the evidence outlined above, the variant was classified as uncertain significance.

Ambry Genetics
Classification: Uncertain significance for Inborn genetic diseases. Last evaluated: 2025-03-19. Review status: criteria provided, single submitter. Criteria: Ambry Variant Classification Scheme 2023. Collection method: clinical testing. Allele origin: germline.
Comment: The c.10436T>C (p.L3479P) alteration is located in exon 55 (coding exon 55) of the DYNC1H1 gene. This alteration results from a T to C substitution at nucleotide position 10436, causing the leucine (L) at amino acid position 3479 to be replaced by a proline (P). This variant was not reported in population-based cohorts in the Genome Aggregation Database (gnomAD). This amino acid position is highly conserved in available vertebrate species. This missense alteration is located in a region that has a low rate of benign missense variation (Lek, 2016; Firth, 2009). This alteration is predicted to be deleterious by in silico analysis. Based on insufficient or conflicting evidence, the clinical significance of this alteration remains unclear.

PreventionGenetics, part of Exact Sciences
Classification: Likely pathogenic for DYNC1H1-related condition. Last evaluated: 2023-06-06. Review status: criteria provided, single submitter. Criteria: ACMG Guidelines, 2015. Collection method: clinical testing. Allele origin: germline.
Comment: The DYNC1H1 c.10436T>C variant is predicted to result in the amino acid substitution p.Leu3479Pro. To our knowledge, this variant has not been reported in the literature or in a large population database, indicating this variant is rare. However, de novo missense variants have been reported in individuals with intellectual disability, brain abnormalities, and unstable gait (see, for example, Su et al. 2020. PubMed ID: 35099838; Yang et al. 2021. PubMed ID: 34803881). This variant is interpreted as likely pathogenic.

NM_001376.5(DYNC1H1):c.10436T>C (p.Leu3479Pro)

Gene: DYNC1H1 (dynein cytoplasmic 1 heavy chain 1; plus strand). Cytogenetic location: 14q32.31.
Variant type: single nucleotide variant.
Coding change: c.10436T>C on transcript NM_001376.5 (MANE Select); coding-DNA position 10436, T replaced by C.
Protein change: p.Leu3479Pro; replaces leucine 3479 with proline.
Molecular consequence: missense variant.
Genome position (GRCh38, 1-based): chr14:102,033,998, T>C. VCF-style: chr14-102033998-T-C. GRCh37 (hg19) VCF-style: chr14-102500335-T-C.
Other names: short protein forms L3479P.
Identifiers: ClinVar variation 2632640 (VCV002632640.4), dbSNP rs2503825876, ClinGen allele CA391025510.